The following is an entry in ClinVar:

ClinVar aggregate classification (germline): Likely benign. Review status: criteria provided, multiple submitters, no conflicts (2 of 4 stars). 4 submissions from 4 submitters: Likely benign (4). Last evaluated 2023-12-13.

Conditions:
Inborn genetic diseases. Identifiers: MedGen C0950123, MeSH D030342.
Charcot-Marie-Tooth disease type 4. Also called: Charcot-Marie-Tooth disease, type IV; Charcot-Marie-Tooth, Type 4. Identifiers: Orphanet 64749, MedGen C4082197, MONDO:0018995.

Allele frequency attached by ClinVar (database versions not stated): gnomAD exomes below 0.00001.
gnomAD v4.1: 1 of 1,613,920 alleles (0.000062%); highest among the groups gnomAD compares: Non-Finnish European, 0.000085%; no homozygotes.

Submissions (4):

Labcorp Genetics (formerly Invitae), Labcorp
Classification: Likely benign for Charcot-Marie-Tooth disease type 4. Last evaluated: 2023-12-13. Review status: criteria provided, single submitter. Criteria: Invitae Variant Classification Sherloc (09022015). Collection method: clinical testing. Allele origin: germline.

Blueprint Genetics
Classification: Likely benign. Last evaluated: 2020-10-05. Review status: criteria provided, single submitter. Criteria: ACMG Guidelines, 2015. Collection method: clinical testing. Allele origin: germline.

Ambry Genetics
Classification: Likely benign for Inborn genetic diseases. Last evaluated: 2019-07-11. Review status: criteria provided, single submitter. Criteria: Ambry Variant Classification Scheme 2023. Collection method: clinical testing. Allele origin: germline.

GeneDx
Classification: Likely benign. Last evaluated: 2017-05-26. Review status: criteria provided, single submitter. Criteria: GeneDx Variant Classification (06012015). Collection method: clinical testing. Allele origin: germline. Affected: yes.
Comment: This variant is considered likely benign or benign based on one or more of the following criteria: it is a conservative change, it occurs at a poorly conserved position in the protein, it is predicted to be benign by multiple in silico algorithms, and/or has population frequency not consistent with disease.

NM_030962.4(SBF2):c.3015T>C (p.Tyr1005=)

Genes: SBF2 (SET binding factor 2; minus strand), LOC101928008 (uncharacterized LOC101928008; plus strand). Cytogenetic location: 11p15.4.
Variant type: single nucleotide variant.
Coding change: c.3015T>C on transcript NM_030962.4 (MANE Select); coding-DNA position 3015, T replaced by C.
Protein change: p.Tyr1005=; no amino-acid change (tyrosine 1005 retained).
Molecular consequence: synonymous variant.
Genome position (GRCh38, 1-based): chr11:9,845,660, A>G on the plus strand (T>C on the coding strand, the complement: SBF2 is on the minus strand). VCF-style: chr11-9845660-A-G. GRCh37 (hg19) VCF-style: chr11-9867207-A-G.
Other names: c.3015T>C, p.Tyr1005= (NM_001386339.1); c.2886T>C, p.Tyr962= (NM_001386342.1).
Identifiers: ClinVar variation 509749 (VCV000509749.7), dbSNP rs1554922354, ClinGen allele CA473070320.
Genomic context (GRCh38, chr11:9,845,660, plus strand): 5'-AATTATTTGTGGGGTAGTTTGTCCAGCAGCAAAAGCAAAGGTACTGAAAATGGACTGAGG[A>G]TAACGGAACTTCATCAGCTGTTTCTTAAAGATCTCTACTACTTCTGGACTGACTTCTTCA-3'
Protein context (NP_112224.1, residues 995-1015): IFKKQLMKFR[Tyr1005=]PQSIFSTFAF